The following is an entry in ClinVar:

NM_002900.3(RBP3):c.2491G>A (p.Gly831Ser)

Gene: RBP3 (retinol binding protein 3; plus strand). Cytogenetic location: 10q11.22.
Variant type: single nucleotide variant.
Coding change: c.2491G>A on transcript NM_002900.3 (MANE Select); coding-DNA position 2491, G replaced by A.
Protein change: p.Gly831Ser; replaces glycine 831 with serine.
Molecular consequence: missense variant.
Genome position (GRCh38, 1-based): chr10:47,350,975, G>A. VCF-style: chr10-47350975-G-A. GRCh37 (hg19) VCF-style: chr10-48388387-C-T.
Other names: short protein forms G831S.
Identifiers: ClinVar variation 1026450 (VCV001026450.10), dbSNP rs782324558, ClinGen allele CA5487271.

ClinVar aggregate classification (germline): Uncertain significance. Review status: criteria provided, multiple submitters, no conflicts (2 of 4 stars). 3 submissions from 3 submitters: Uncertain significance (2). 1 of the submissions does not count toward it. Last evaluated 2022-11-02.

Conditions:
Retinal dystrophy. Also called: Inherited retinal dystrophy. Identifiers: Orphanet 71862, MedGen C0854723, MeSH D058499, MONDO:0019118, HP:0000556.

Allele frequency attached by ClinVar (database versions not stated): ExAC 0.00001; gnomAD exomes 0.00001 and 0.00002; 1000 Genomes Project 30x 0.00016.
gnomAD v4.1: 28 of 1,612,236 alleles (0.0017%); highest among the groups gnomAD compares: Non-Finnish European, 0.0021%; no homozygotes.

Submissions (3):

Blueprint Genetics
Classification: Uncertain significance. Last evaluated: 2022-11-02. Review status: criteria provided, single submitter. Criteria: ACMG Guidelines, 2015. Collection method: clinical testing. Allele origin: germline.

Labcorp Genetics (formerly Invitae), Labcorp
Classification: Uncertain significance. Last evaluated: 2022-03-20. Review status: criteria provided, single submitter. Criteria: Invitae Variant Classification Sherloc (09022015). Collection method: clinical testing. Allele origin: germline.
Comment: In summary, the available evidence is currently insufficient to determine the role of this variant in disease. Therefore, it has been classified as a Variant of Uncertain Significance. Algorithms developed to predict the effect of missense changes on protein structure and function are either unavailable or do not agree on the potential impact of this missense change (SIFT: "Deleterious"; PolyPhen-2: "Probably Damaging"; Align-GVGD: "Class C0"). ClinVar contains an entry for this variant (Variation ID: 1026450). This variant has not been reported in the literature in individuals affected with RBP3-related conditions. This variant is present in population databases (rs782324558, gnomAD 0.004%). This sequence change replaces glycine, which is neutral and non-polar, with serine, which is neutral and polar, at codon 831 of the RBP3 protein (p.Gly831Ser).

Institute of Human Genetics, Univ. Regensburg, Univ. Regensburg
Classification: Uncertain significance for Retinal dystrophy. Last evaluated: 2019-01-01. Review status: no assertion criteria provided. Criteria: ACMG Guidelines, 2015. Collection method: clinical testing. Allele origin: germline. Affected: yes. Not counted in ClinVar's aggregate classification.